The following is an entry in ClinVar:

NM_006059.4(LAMC3):c.2348-1G>C

Gene: LAMC3 (laminin subunit gamma 3; plus strand). Cytogenetic location: 9q34.12.
Variant type: single nucleotide variant.
Coding change: c.2348-1G>C on transcript NM_006059.4 (MANE Select); the canonical splice acceptor site of the intron before coding-DNA position 2348, G replaced by C.
Molecular consequence: splice acceptor variant.
Genome position (GRCh38, 1-based): chr9:131,066,959, G>C. VCF-style: chr9-131066959-G-C. GRCh37 (hg19) VCF-style: chr9-133942346-G-C.
Identifiers: ClinVar variation 1489739 (VCV001489739.8), dbSNP rs1829945601, ClinGen allele CA375252897.

ClinVar aggregate classification (germline): Likely pathogenic (1 of 4 stars; one submission).

gnomAD v4.1: 2 of 1,613,752 alleles (0.00012%); highest among the groups gnomAD compares: Non-Finnish European, 0.00017%; no homozygotes.

Submission:

Labcorp Genetics (formerly Invitae), Labcorp
Classification: Likely pathogenic. Last evaluated: 2024-10-25. Review status: criteria provided, single submitter. Criteria: Invitae Variant Classification Sherloc (09022015). Collection method: clinical testing. Allele origin: germline.
Comment: This sequence change affects an acceptor splice site in intron 13 of the LAMC3 gene. It is expected to disrupt RNA splicing. Variants that disrupt the donor or acceptor splice site typically lead to a loss of protein function (PMID: 16199547), and loss-of-function variants in LAMC3 are known to be pathogenic (PMID: 21572413, 26802095). This variant is not present in population databases (gnomAD no frequency). This variant has not been reported in the literature in individuals affected with LAMC3-related conditions. ClinVar contains an entry for this variant (Variation ID: 1489739). Algorithms developed to predict the effect of sequence changes on RNA splicing suggest that this variant may disrupt the consensus splice site. In summary, the currently available evidence indicates that the variant is pathogenic, but additional data are needed to prove that conclusively. Therefore, this variant has been classified as Likely Pathogenic.

Literature cited by the submitters: PubMed 16199547; PubMed 21572413; PubMed 26802095.